The following is an entry in ClinVar:

ClinVar aggregate classification (germline): Conflicting classifications of pathogenicity. Review status: criteria provided, conflicting classifications (1 of 4 stars). 2 submissions from 2 submitters: Likely pathogenic (1); Uncertain significance (1). Last evaluated 2025-10-16.

Conditions:
Hereditary antithrombin deficiency (AT3D). Also called: Antithrombin deficiency; Antithrombin III deficiency; Thrombophilia due to antithrombin III deficiency; Reduced antithrombin III activity. Identifiers: Orphanet 82, MedGen C0272375, MONDO:0013144, OMIM 613118, HP:0001976.

Allele frequency attached by ClinVar (database versions not stated): gnomAD 0.00001; gnomAD exomes 0.00001; ExAC 0.00002; ESP Exome Variant Server 0.00008.

Submissions (2):

Mayo Clinic Laboratories, Mayo Clinic
Classification: Uncertain significance. Last evaluated: 2025-10-16. Review status: criteria provided, single submitter. Criteria: ACMG Guidelines, 2015. Collection method: clinical testing. Allele origin: germline. Observed: 1 variant allele.
Comment: PP3_moderate, PM2_supporting, PS4_moderate

Labcorp Genetics (formerly Invitae), Labcorp
Classification: Likely pathogenic for Hereditary antithrombin deficiency. Last evaluated: 2025-10-07. Review status: criteria provided, single submitter. Criteria: Invitae Variant Classification Sherloc (09022015). Collection method: clinical testing. Allele origin: germline.
Comment: This sequence change replaces threonine, which is neutral and polar, with isoleucine, which is neutral and non-polar, at codon 250 of the SERPINC1 protein (p.Thr250Ile). This variant is present in population databases (rs144084678, gnomAD 0.002%). This missense change has been observed in individual(s) with clinical features of hereditary antithrombin deficiency (PMID: 28300866, 28317092, 34800304; internal data). ClinVar contains an entry for this variant (Variation ID: 3016300). Invitae Evidence Modeling of protein sequence and biophysical properties (such as structural, functional, and spatial information, amino acid conservation, physicochemical variation, residue mobility, and thermodynamic stability) has been performed for this missense variant. However, the output from this modeling did not meet the statistical confidence thresholds required to predict the impact of this variant on SERPINC1 protein function. In summary, the currently available evidence indicates that the variant is pathogenic, but additional data are needed to prove that conclusively. Therefore, this variant has been classified as Likely Pathogenic.

Literature cited by the submitters: PubMed 28300866 (cited by Mayo Clinic Laboratories, Mayo Clinic and Labcorp Genetics (formerly Invitae), Labcorp); PubMed 28317092 (cited by Mayo Clinic Laboratories, Mayo Clinic and Labcorp Genetics (formerly Invitae), Labcorp); PubMed 34800304 (cited by Mayo Clinic Laboratories, Mayo Clinic and Labcorp Genetics (formerly Invitae), Labcorp).

NM_000488.4(SERPINC1):c.749C>T (p.Thr250Ile)

Gene: SERPINC1 (serpin family C member 1; minus strand). Cytogenetic location: 1q25.1.
Variant type: single nucleotide variant.
Coding change: c.749C>T on transcript NM_000488.4 (MANE Select); coding-DNA position 749, C replaced by T.
Protein change: p.Thr250Ile; replaces threonine 250 with isoleucine.
Molecular consequence: missense variant. On other transcripts: intron variant (1).
Genome position (GRCh38, 1-based): chr1:173,910,767, G>A on the plus strand (C>T on the coding strand, the complement: SERPINC1 is on the minus strand). VCF-style: chr1-173910767-G-A. GRCh37 (hg19) VCF-style: chr1-173879905-G-A.
Other names: p.Thr250Ile; c.605C>T, p.Thr202Ile (NM_001365052.2); c.749C>T, p.Thr250Ile (NM_001386302.1, NM_001386305.1); c.830C>T, p.Thr277Ile (NM_001386303.1); c.533C>T, p.Thr178Ile (NM_001386306.1); c.741+8C>T (NM_001386304.1); short protein forms T178I, T202I, T250I, T277I.
Identifiers: ClinVar variation 3016300 (VCV003016300.4), dbSNP rs144084678, ClinGen allele CA1251351.